The following is an entry in ClinVar:

ClinVar aggregate classification (germline): Uncertain significance. Review status: criteria provided, multiple submitters, no conflicts (2 of 4 stars). 8 submissions from 7 submitters: Uncertain significance (7). 1 of the submissions does not count toward it. Last evaluated 2025-10-28.

Conditions:
USH2A-related disorder. Also called: USH2A-related condition; USH2A-related disorders. Identifiers: MedGen CN239332.
Retinitis pigmentosa 39 (RP39). Identifiers: Orphanet 791, MedGen C3151138, MONDO:0013436, OMIM 613809.
Usher syndrome type 2A. Also called: USHER SYNDROME, TYPE IIA; RETINAL DISEASE IN USHER SYNDROME TYPE IIA, MODIFIER OF. Identifiers: Orphanet 231178, Orphanet 886, MedGen C1848634, MONDO:0010169, OMIM 276901.

Allele frequency attached by ClinVar (database versions not stated): gnomAD exomes 0.00004 and 0.00012; ExAC 0.00014; gnomAD 0.00037 and 0.00039; 1000 Genomes Project 30x 0.00047; TOPMed 0.00049; 1000 Genomes Project 0.00060; ESP Exome Variant Server 0.00062.
gnomAD v4.1: 128 of 1,613,166 alleles (0.0079%); highest among the groups gnomAD compares: African/African-American, 0.14%; 1 homozygote.

Submissions (8):

PreventionGenetics, part of Exact Sciences
Classification: Uncertain significance for USH2A-related condition. Last evaluated: 2025-10-28. Review status: criteria provided, single submitter. Criteria: ACMG Guidelines, 2015. Collection method: clinical testing. Allele origin: germline.
Comment: The USH2A c.7595A>C variant is predicted to result in the amino acid substitution p.Lys2532Thr. To our knowledge, this variant has not been reported in the literature. This variant is reported in 0.14% of alleles in individuals of African descent in gnomAD. Although we suspect that this variant may be benign, at this time, the clinical significance of this variant is uncertain due to the absence of conclusive functional and genetic evidence.

Blueprint Genetics
Classification: Uncertain significance. Last evaluated: 2024-07-02. Review status: criteria provided, single submitter. Criteria: ACMG Guidelines, 2015. Collection method: clinical testing. Allele origin: germline.

Labcorp Genetics (formerly Invitae), Labcorp
Classification: Uncertain significance. Last evaluated: 2024-01-18. Review status: criteria provided, single submitter. Criteria: Invitae Variant Classification Sherloc (09022015). Collection method: clinical testing. Allele origin: germline.
Comment: This sequence change replaces lysine, which is basic and polar, with threonine, which is neutral and polar, at codon 2532 of the USH2A protein (p.Lys2532Thr). This variant is present in population databases (rs112273610, gnomAD 0.1%). This missense change has been observed in individual(s) with retinitis pigmentosa (Invitae). ClinVar contains an entry for this variant (Variation ID: 836552). An algorithm developed to predict the effect of missense changes on protein structure and function (PolyPhen-2) suggests that this variant¬†is likely to be tolerated. In summary, the available evidence is currently insufficient to determine the role of this variant in disease. Therefore, it has been classified as a Variant of Uncertain Significance.

Genome-Nilou Lab
Classification: Uncertain significance for Retinitis pigmentosa 39. Last evaluated: 2023-11-04. Review status: criteria provided, single submitter. Criteria: ACMG Guidelines, 2015. Collection method: clinical testing. Allele origin: germline. Affected: no.

Genome-Nilou Lab
Classification: Uncertain significance for Usher syndrome type 2A. Last evaluated: 2023-11-04. Review status: criteria provided, single submitter. Criteria: ACMG Guidelines, 2015. Collection method: clinical testing. Allele origin: germline. Affected: no.

GeneDx
Classification: Uncertain significance. Last evaluated: 2023-01-04. Review status: criteria provided, single submitter. Criteria: GeneDx Variant Classification Process June 2021. Collection method: clinical testing. Allele origin: germline. Affected: yes.
Comment: In silico analysis supports that this missense variant does not alter protein structure/function; Has not been previously published as pathogenic or benign to our knowledge

Breakthrough Genomics
Classification: Uncertain significance. Review status: criteria provided, single submitter. Criteria: ACMG Guidelines, 2015. Collection method: not provided. Allele origin: germline. Inheritance: Autosomal recessive inheritance. Affected: yes.

Natera, Inc.
Classification: Uncertain significance for Usher syndrome type 2A. Last evaluated: 2019-12-31. Review status: no assertion criteria provided. Collection method: clinical testing. Allele origin: germline. Not counted in ClinVar's aggregate classification.

NM_206933.4(USH2A):c.7595A>C (p.Lys2532Thr)

Gene: USH2A (usherin; minus strand). Cytogenetic location: 1q41.
Variant type: single nucleotide variant.
Coding change: c.7595A>C on transcript NM_206933.4 (MANE Select); coding-DNA position 7595, A replaced by C.
Protein change: p.Lys2532Thr; replaces lysine 2532 with threonine.
Molecular consequence: missense variant.
Genome position (GRCh38, 1-based): chr1:215,889,054, T>G on the plus strand (A>C on the coding strand, the complement: USH2A is on the minus strand). VCF-style: chr1-215889054-T-G. GRCh37 (hg19) VCF-style: chr1-216062396-T-G.
Other names: short protein forms K2532T.
Identifiers: ClinVar variation 836552 (VCV000836552.11), dbSNP rs112273610, ClinGen allele CA1394776.
Genomic context (GRCh38, chr1:215,889,054, plus strand): 5'-GTGACCAACATCATTCTTGACTTCACATCCAGAAGAATCGGAGGAACTACAGGTCCAGGT[T>G]CTGTAAAGTAAAATAAATCCAGAAAGTCAGACCTCTTGGAAATGTCCCACCTCTCCTCAA-3'
Protein context (NP_996816.3, residues 2522-2542): SWIPFMTAED[Lys2532Thr]PGPVVPPILL